The following is an entry in ClinVar:

ClinVar aggregate classification (germline): Uncertain significance. Review status: criteria provided, multiple submitters, no conflicts (2 of 4 stars). 2 submissions from 2 submitters: Uncertain significance (2). Last evaluated 2025-05-21.

Conditions:
Idiopathic Pulmonary Fibrosis. Also called: Idiopathic fibrosing alveolitis, chronic form; idiopathic fibrosing alveolitis. Identifiers: Orphanet 2032, MedGen C1800706, MeSH D054990, MONDO:0800504.
Dyskeratosis congenita, autosomal dominant 2. Identifiers: MedGen C3151443, MONDO:0013521, OMIM 613989.
Dyskeratosis congenita. Identifiers: Orphanet 1775, MedGen C0265965, MONDO:0015780.

Allele frequency attached by ClinVar (database versions not stated): gnomAD exomes below 0.00001.
gnomAD v4.1: 3 of 1,592,712 alleles (0.00019%); highest among the groups gnomAD compares: Non-Finnish European, 0.00017%; no homozygotes.

Submissions (2):

Ambry Genetics
Classification: Uncertain significance for Dyskeratosis congenita. Last evaluated: 2025-05-21. Review status: criteria provided, single submitter. Criteria: Ambry Variant Classification Scheme 2023. Collection method: clinical testing. Allele origin: germline.
Comment: The p.R194Q variant (also known as c.581G>A), located in coding exon 2 of the TERT gene, results from a G to A substitution at nucleotide position 581. The arginine at codon 194 is replaced by glutamine, an amino acid with highly similar properties. This amino acid position is well conserved in available vertebrate species. In addition, this alteration is predicted to be tolerated by in silico analysis. Based on the available evidence, the clinical significance of this variant remains unclear.

Labcorp Genetics (formerly Invitae), Labcorp
Classification: Uncertain significance for Dyskeratosis congenita, autosomal dominant 2; Idiopathic Pulmonary Fibrosis. Last evaluated: 2024-04-29. Review status: criteria provided, single submitter. Criteria: Invitae Variant Classification Sherloc (09022015). Collection method: clinical testing. Allele origin: germline.
Comment: This sequence change replaces arginine, which is basic and polar, with glutamine, which is neutral and polar, at codon 194 of the TERT protein (p.Arg194Gln). This variant is not present in population databases (gnomAD no frequency). This variant has not been reported in the literature in individuals affected with TERT-related conditions. ClinVar contains an entry for this variant (Variation ID: 648210). Advanced modeling of protein sequence and biophysical properties (such as structural, functional, and spatial information, amino acid conservation, physicochemical variation, residue mobility, and thermodynamic stability) has been performed at Invitae for this missense variant, however the output from this modeling did not meet the statistical confidence thresholds required to predict the impact of this variant on TERT protein function. In summary, the available evidence is currently insufficient to determine the role of this variant in disease. Therefore, it has been classified as a Variant of Uncertain Significance.

NM_198253.3(TERT):c.581G>A (p.Arg194Gln)

Gene: TERT (telomerase reverse transcriptase; minus strand). Cytogenetic location: 5p15.33.
Variant type: single nucleotide variant.
Coding change: c.581G>A on transcript NM_198253.3 (MANE Select); coding-DNA position 581, G replaced by A.
Protein change: p.Arg194Gln; replaces arginine 194 with glutamine.
Molecular consequence: missense variant. On other transcripts: non-coding transcript variant (2).
Genome position (GRCh38, 1-based): chr5:1,294,305, C>T on the plus strand (G>A on the coding strand, the complement: TERT is on the minus strand). VCF-style: chr5-1294305-C-T. GRCh37 (hg19) VCF-style: chr5-1294420-C-T.
Other names: c.581G>A, p.Arg194Gln (NM_001193376.3); short protein forms R194Q.
Identifiers: ClinVar variation 648210 (VCV000648210.10), dbSNP rs1579598204, ClinGen allele CA359057337.